The following is an entry in ClinVar:

NM_018426.3(TMEM63B):c.1540A>G (p.Thr514Ala)

Gene: TMEM63B (transmembrane protein 63B; plus strand). Cytogenetic location: 6p21.1.
Variant type: single nucleotide variant.
Coding change: c.1540A>G on transcript NM_018426.3 (MANE Select); coding-DNA position 1540, A replaced by G.
Protein change: p.Thr514Ala; replaces threonine 514 with alanine.
Molecular consequence: missense variant.
Genome position (GRCh38, 1-based): chr6:44,150,243, A>G. VCF-style: chr6-44150243-A-G. GRCh37 (hg19) VCF-style: chr6-44117980-A-G.
Other names: c.1540A>G, p.Thr514Ala (NM_001318792.1); short protein forms T514A.
Identifiers: ClinVar variation 4873685 (VCV004873685.2).

ClinVar aggregate classification (germline): Likely benign (1 of 4 stars; one submission).

Submission:

CeGaT Center for Human Genetics Tuebingen
Classification: Likely benign. Last evaluated: 2026-06-01. Review status: criteria provided, single submitter. Criteria: CeGaT Center For Human Genetics Tuebingen Variant Classification Criteria Version 2. Collection method: clinical testing. Allele origin: germline. Affected: yes. Observed: 1 variant allele.
Comment: TMEM63B: PM2, PP2, BS2